The following is an entry in ClinVar:

ClinVar aggregate classification (germline): Conflicting classifications of pathogenicity. Review status: criteria provided, conflicting classifications (1 of 4 stars). 8 submissions from 8 submitters: Pathogenic (4); Likely pathogenic (1); Uncertain significance (2). 1 of the submissions does not count toward it. Last evaluated 2026-09-18.

Conditions:
MYO15A-related disorder. Also called: MYO15A-related condition.
Autosomal recessive nonsyndromic hearing loss 3. Also called: NEUROSENSORY NONSYNDROMIC RECESSIVE DEAFNESS 3. Identifiers: Orphanet 90636, MedGen C1838263, MONDO:0010860, OMIM 600316.

Allele frequency attached by ClinVar (database versions not stated): ExAC 0.00002; gnomAD exomes 0.00003; gnomAD 0.00004.
gnomAD v4.1: 30 of 1,597,272 alleles (0.0019%); highest among the groups gnomAD compares: South Asian, 0.011%; no homozygotes.

Submissions (8):

PreventionGenetics, part of Exact Sciences
Classification: Likely pathogenic for MYO15A-related condition. Last evaluated: 2026-09-18. Review status: criteria provided, single submitter. Criteria: ACMG Guidelines, 2015. Collection method: clinical testing. Allele origin: germline.
Comment: The MYO15A c.5977C>T variant is predicted to result in the amino acid substitution p.Arg1993Trp. This variant has been reported in compound heterozygous state with likely pathogenic variants in five patients with autosomal recessive non-syndromic hearing loss (Table 1, Zhang et al. 2019. PubMed ID: 30953472; Table S2, Guan et al. 2021. PubMed ID: 34416374; Table 1, Chen et al. 2021. PubMed ID: 34974475; Table 1, Fu et al. 2022. PubMed ID: 35346193). This variant is reported in 0.017% of alleles in individuals of East Asian descent in gnomAD. An alternate missense substitution affecting the same amino acid (p.Arg1993Gln) has also been reported with loss-of-function variants in multiple individuals with hearing loss (Miyagawa et al. 2015. PubMed ID: 25792667; Table S4, Quaio et al. 2022. PubMed ID: 36147510). This variant is interpreted as likely pathogenic.

GeneDx
Classification: Uncertain significance. Last evaluated: 2026-02-05. Review status: criteria provided, single submitter. Criteria: GeneDx Variant Classification Process June 2021. Collection method: clinical testing. Allele origin: germline.
Comment: In silico analysis supports that this missense variant has a deleterious effect on protein structure/function; In silico analysis is inconclusive as to whether the variant alters gene splicing. In the absence of RNA/functional studies, the actual effect of this sequence change is unknown.; This variant is associated with the following publications: (PMID: 23967202, 25792667, 31581539, 30953472, 34974475, 35346193, 30682115, 34416374)

Fulgent Genetics
Classification: Pathogenic for Autosomal recessive nonsyndromic hearing loss 3. Last evaluated: 2024-03-21. Review status: criteria provided, single submitter. Criteria: ACMG Guidelines, 2015. Collection method: clinical testing. Allele origin: germline.

Labcorp Genetics (formerly Invitae), Labcorp
Classification: Pathogenic. Last evaluated: 2024-02-17. Review status: criteria provided, single submitter. Criteria: Invitae Variant Classification Sherloc (09022015). Collection method: clinical testing. Allele origin: germline.
Comment: This sequence change replaces arginine, which is basic and polar, with tryptophan, which is neutral and slightly polar, at codon 1993 of the MYO15A protein (p.Arg1993Trp). The frequency data for this variant in the population databases is considered unreliable, as metrics indicate poor data quality at this position in the gnomAD database. This missense change has been observed in individual(s) with deafness (PMID: 30953472, 31581539, 34974475, 35346193). In at least one individual the data is consistent with being in trans (on the opposite chromosome) from a pathogenic variant. ClinVar contains an entry for this variant (Variation ID: 1185079). Advanced modeling of protein sequence and biophysical properties (such as structural, functional, and spatial information, amino acid conservation, physicochemical variation, residue mobility, and thermodynamic stability) has been performed at Invitae for this missense variant, however the output from this modeling did not meet the statistical confidence thresholds required to predict the impact of this variant on MYO15A protein function. Algorithms developed to predict the effect of sequence changes on RNA splicing suggest that this variant may disrupt the consensus splice site. This variant disrupts the p.Arg1993 amino acid residue in MYO15A. Other variant(s) that disrupt this residue have been determined to be pathogenic (PMID: 23967202, 25792667). This suggests that this residue is clinically significant, and that variants that disrupt this residue are likely to be disease-causing. For these reasons, this variant has been classified as Pathogenic.

Blueprint Genetics
Classification: Pathogenic for MYO15A-related disorders. Last evaluated: 2020-04-20. Review status: criteria provided, single submitter. Criteria: ACMG Guidelines, 2015. Collection method: clinical testing. Allele origin: germline. Affected: yes. Observed: 1 variant allele.

Juno Genomics, Hangzhou Juno Genomics, Inc
Classification: Uncertain significance for Autosomal recessive nonsyndromic hearing loss 3. Review status: criteria provided, single submitter. Criteria: ACMG Guidelines, 2015. Collection method: clinical testing. Allele origin: germline. Affected: yes.
Comment: Absent from controls (or at extremely low frequency if recessive) in Genome Aggregation Database, Exome Sequencing Project, 1000 Genomes Project, or Exome Aggregation Consortium.;For recessive disorders, detected in trans with a pathogenic variant.

Molecular Diagnosis Center for Deafness
Classification: Pathogenic for Autosomal recessive nonsyndromic hearing loss 3. Review status: criteria provided, single submitter. Criteria: ClinGen HL ACMG Specifications v1. Collection method: clinical testing. Allele origin: paternal. Observed: 2 variant alleles.

WangQJ Lab, Chinese People's Liberation Army General Hospital
Classification: Pathogenic for Autosomal recessive nonsyndromic hearing loss 3. Last evaluated: 2021-07-01. Review status: no assertion criteria provided. Collection method: clinical testing. Allele origin: paternal. Affected: yes. Not counted in ClinVar's aggregate classification.

Literature cited by the submitters: PubMed 30953472 (cited by Labcorp Genetics (formerly Invitae), Labcorp); PubMed 31581539 (cited by Labcorp Genetics (formerly Invitae), Labcorp); PubMed 34974475 (cited by Labcorp Genetics (formerly Invitae), Labcorp); PubMed 35346193 (cited by Labcorp Genetics (formerly Invitae), Labcorp); PubMed 23967202 (cited by Labcorp Genetics (formerly Invitae), Labcorp); PubMed 25792667 (cited by Labcorp Genetics (formerly Invitae), Labcorp).

NM_016239.4(MYO15A):c.5977C>T (p.Arg1993Trp)

Gene: MYO15A (myosin XVA; plus strand). Cytogenetic location: 17p11.2.
Variant type: single nucleotide variant.
Coding change: c.5977C>T on transcript NM_016239.4 (MANE Select); coding-DNA position 5977, C replaced by T.
Protein change: p.Arg1993Trp; replaces arginine 1993 with tryptophan.
Molecular consequence: missense variant.
Genome position (GRCh38, 1-based): chr17:18,143,727, C>T. VCF-style: chr17-18143727-C-T. GRCh37 (hg19) VCF-style: chr17-18047041-C-T.
Other names: c.5977C>T (NM_016239.3); short protein forms R1993W.
Identifiers: ClinVar variation 1185079 (VCV001185079.16), dbSNP rs759663463, ClinGen allele CA8424464.